The following is an entry in ClinVar:

ClinVar aggregate classification (germline): Uncertain significance. Review status: criteria provided, multiple submitters, no conflicts (2 of 4 stars). 3 submissions from 3 submitters: Uncertain significance (3). Last evaluated 2026-02-05.

Allele frequency attached by ClinVar (database versions not stated): gnomAD 0.00001; ExAC 0.00005; TOPMed 0.00001; gnomAD exomes 0.00002.
gnomAD v4.1: 29 of 1,613,838 alleles (0.0018%); highest among the groups gnomAD compares: African/African-American, 0.0093%; no homozygotes.

Submissions (3):

Women's Health and Genetics/Laboratory Corporation of America, LabCorp
Classification: Uncertain significance. Last evaluated: 2026-02-05. Review status: criteria provided, single submitter. Criteria: LabCorp Variant Classification Summary - May 2015. Collection method: clinical testing. Allele origin: germline.
Comment: Variant summary: SAMD9 c.661C>T (p.Arg221X) results in a premature termination codon, predicted to cause a truncation of the encoded protein and not anticipated to result in nonsense mediated decay. The variant allele was found at a frequency of 3.6e-05 in 251400 control chromosomes (gnomAD). The available data on variant occurrences in the general population are insufficient to allow any conclusion about variant significance. To our knowledge, no occurrence of c.661C>T in individuals affected with SAMD9-related conditions and no experimental evidence demonstrating its impact on protein function have been reported. ClinVar contains an entry for this variant (Variation ID: 2078553). Based on the evidence outlined above, the variant was classified as uncertain significance.

GeneDx
Classification: Uncertain significance. Last evaluated: 2024-01-18. Review status: criteria provided, single submitter. Criteria: GeneDx Variant Classification Process June 2021. Collection method: clinical testing. Allele origin: germline.
Comment: Nonsense variant predicted to result in protein truncation, as the last 1369 amino acids are lost, in a gene for which loss of function is not an established mechanism of disease; Has not been previously published as pathogenic or benign germline variant to our knowledge; This variant is associated with the following publications: (PMID: 31572304, 28487541, 28545555)

Labcorp Genetics (formerly Invitae), Labcorp
Classification: Uncertain significance. Last evaluated: 2022-09-27. Review status: criteria provided, single submitter. Criteria: Invitae Variant Classification Sherloc (09022015). Collection method: clinical testing. Allele origin: germline.
Comment: This sequence change creates a premature translational stop signal (p.Arg221*) in the SAMD9 gene. While this is not anticipated to result in nonsense mediated decay, it is expected to disrupt the last 1369 amino acid(s) of the SAMD9 protein. This variant is present in population databases (rs778654614, gnomAD 0.02%). This variant has not been reported in the literature in individuals affected with SAMD9-related conditions. Experimental studies and prediction algorithms are not available or were not evaluated, and the functional significance of this variant is currently unknown. In summary, the available evidence is currently insufficient to determine the role of this variant in disease. Therefore, it has been classified as a Variant of Uncertain Significance.

NM_017654.4(SAMD9):c.661C>T (p.Arg221Ter)

Gene: SAMD9 (sterile alpha motif domain containing 9; minus strand). Cytogenetic location: 7q21.2.
Variant type: single nucleotide variant.
Coding change: c.661C>T on transcript NM_017654.4 (MANE Select); coding-DNA position 661, C replaced by T.
Protein change: p.Arg221Ter; replaces arginine 221 with a stop codon.
Molecular consequence: nonsense.
Genome position (GRCh38, 1-based): chr7:93,105,437, G>A on the plus strand (C>T on the coding strand, the complement: SAMD9 is on the minus strand). VCF-style: chr7-93105437-G-A. GRCh37 (hg19) VCF-style: chr7-92734750-G-A.
Other names: c.661C>T, p.Arg221Ter (NM_001193307.2); c.661C>T (NM_017654.3); short protein forms R221*.
Identifiers: ClinVar variation 2078553 (VCV002078553.4), dbSNP rs778654614, ClinGen allele CA4343099.
Genomic context (GRCh38, chr7:93,105,437, plus strand): 5'-CTTTGACTCCAAAATGAATAGTGCCATTGGTACGTGAATTCATACAAGCTGAAGCAAATC[G>A]GAAAACCTCATTGCTAAATTTCATCTTGACATCCTCTTCTGTGGCTGTTGCTGTATTTGT-3'